The following is an entry in ClinVar:

ClinVar aggregate classification (germline): Uncertain significance. Review status: criteria provided, multiple submitters, no conflicts (2 of 4 stars). 3 submissions from 3 submitters: Uncertain significance (3). Last evaluated 2023-08-24.

Allele frequency attached by ClinVar (database versions not stated): gnomAD exomes below 0.00001.
gnomAD v4.1: 1 of 1,614,196 alleles (0.000062%); highest among the groups gnomAD compares: African/African-American, 0.0013%; no homozygotes.

Submissions (3):

Athena Diagnostics
Classification: Uncertain significance. Last evaluated: 2023-08-24. Review status: criteria provided, single submitter. Criteria: Athena Diagnostics Criteria. Collection method: clinical testing. Allele origin: unknown.
Comment: Available data are insufficient to determine the clinical significance of the variant at this time. The frequency of this variant in the general population is uninformative in assessment of its pathogenicity. Computational tools predict that this variant is not damaging.

Revvity Omics, Revvity
Classification: Uncertain significance. Last evaluated: 2019-05-14. Review status: criteria provided, single submitter. Criteria: ACMG Guidelines, 2015. Collection method: clinical testing. Allele origin: germline.

Eurofins Ntd Llc (ga)
Classification: Uncertain significance. Last evaluated: 2018-03-08. Review status: criteria provided, single submitter. Criteria: EGL ClinVar v180209 classification definitions. Collection method: clinical testing. Allele origin: germline. Observed: 1 variant allele, 1 heterozygote.

NM_004393.6(DAG1):c.532G>T (p.Val178Leu)

Gene: DAG1 (dystroglycan 1; plus strand). Cytogenetic location: 3p21.31.
Variant type: single nucleotide variant.
Coding change: c.532G>T on transcript NM_004393.6 (MANE Select); coding-DNA position 532, G replaced by T.
Protein change: p.Val178Leu; replaces valine 178 with leucine.
Molecular consequence: missense variant.
Genome position (GRCh38, 1-based): chr3:49,531,043, G>T. VCF-style: chr3-49531043-G-T. GRCh37 (hg19) VCF-style: chr3-49568476-G-T.
Other names: c.532G>T (NM_004393.4); c.532G>T, p.Val178Leu (NM_001165928.4, NM_001177634.3, NM_001177635.3 and 9 more transcripts); short protein forms V178L.
Identifiers: ClinVar variation 596416 (VCV000596416.10), dbSNP rs1217933283, ClinGen allele CA352793522.